The following is an entry in ClinVar:

NM_001370259.2(MEN1):c.1620_1621inv (p.Thr541Ala)

Gene: MEN1 (menin 1; minus strand). Cytogenetic location: 11q13.1.
Variant type: Inversion.
Coding change: c.1620_1621inv on transcript NM_001370259.2 (MANE Select).
Protein change: p.Thr541Ala; replaces threonine 541 with alanine.
Molecular consequence: missense variant. On other transcripts: synonymous variant (12).
Genome position: GRCh38 VCF-style: chr11-64804546-TG-CA. GRCh37 (hg19) VCF-style: chr11-64572018-TG-CA.
Other names: c.1515C>T, p.Pro505= (NM_001370262.1, NM_001370263.1); c.1620C>T, p.Pro540= (NM_130799.2, NM_001370260.1, NM_001370261.1); c.1635C>T, p.Pro545= (NM_130800.2, NM_130801.2, NM_130802.2 and 3 more transcripts); c.1746C>T, p.Pro582= (NM_001370251.1); short protein forms T541A.
Identifiers: ClinVar variation 1145743 (VCV001145743.8), ClinGen allele CA2499221139.

ClinVar aggregate classification (germline): Benign/Likely benign. Review status: criteria provided, multiple submitters, no conflicts (2 of 4 stars). 2 submissions from 2 submitters: Benign (1); Likely benign (1). Last evaluated 2024-11-05.

Conditions:
Multiple endocrine neoplasia, type 1 (MEN1). Also called: MEN I; WERMER SYNDROME; Endocrine adenomatosis multiple; MEN 1; MEA I. Identifiers: Orphanet 652, MedGen C0025267, MeSH D018761, MONDO:0007540, OMIM 131100.

Submissions (2):

Myriad Genetics, Inc.
Classification: Benign for Multiple endocrine neoplasia, type 1. Last evaluated: 2024-11-05. Review status: criteria provided, single submitter. Criteria: Myriad Autosomal Dominant, Autosomal Recessive and X-Linked Classification Criteria (2023). Collection method: clinical testing. Allele origin: unknown.
Comment: This variant is considered benign. This variant has been observed at a population frequency that is significantly greater than expected given the associated disease prevalence and penetrance.

Labcorp Genetics (formerly Invitae), Labcorp
Classification: Likely benign for Multiple endocrine neoplasia, type 1. Last evaluated: 2024-06-06. Review status: criteria provided, single submitter. Criteria: Invitae Variant Classification Sherloc (09022015). Collection method: clinical testing. Allele origin: germline.